The following is an entry in ClinVar:

ClinVar aggregate classification (germline): Pathogenic. Review status: reviewed by expert panel (3 of 4 stars). 19 submissions from 19 submitters: Pathogenic (1). 18 of the submissions do not count toward it. Last evaluated 2022-09-21.

Conditions:
GAA-related disorder. Also called: GAA-related condition.
GAA-related disorders.
Glycogen storage disease, type II (IOPD). Also called: POMPE DISEASE, INFANTILE-ONSET; GLYCOGEN STORAGE DISEASE II, INFANTILE-ONSET; ACID ALPHA-GLUCOSIDASE DEFICIENCY, INFANTILE-ONSET; GAA DEFICIENCY, INFANTILE-ONSET; ACID MALTASE DEFICIENCY, INFANTILE-ONSET; Pompe Disease. Identifiers: Orphanet 365, MedGen C0017921, MONDO:0009290, OMIM 232300.
Glycogen storage disease. Also called: Disorder of glycogen metabolism; glycogen storage disorder. Identifiers: Orphanet 79201, MedGen C0017919, MONDO:0002412.

Allele frequency attached by ClinVar (database versions not stated): TOPMed below 0.00001; gnomAD 0.00003.
gnomAD v4.1: 27 of 1,612,770 alleles (0.0017%); highest among the groups gnomAD compares: Non-Finnish European, 0.0022%; no homozygotes.

Submissions 1 to 10 of 19:

ClinGen Lysosomal Storage Disorder Variant Curation Expert Panel
Classification: Pathogenic for Glycogen storage disease, type II. Last evaluated: 2022-09-21. Review status: reviewed by expert panel. Criteria: clingen_lsd_acmg_specifications_v2-1. Collection method: curation. Allele origin: germline. Inheritance: Autosomal recessive inheritance.
Comment: The NM_000152.5: c.307T>G variant in GAA is a missense variant predicted to cause substitution of cysteine by glycine at amino acid 103 (p.Cys103Gly). This variant has been reported in at least 12 patients who have been diagnosed with Pompe disease, including patients with documented GAA deficiency in the affected range in dried blood spot, leukocytes, and fibroblasts and <10% normal GAA activity in muscle (PMIDs: 16838077, 18285536, 21109266, 22676651, 24011652, 24158270, 29803406; Pediatr Pol 2021; 96 (3): 220–222; DOI 10.5114/polp.2021.109310) and three on enzyme replacement therapy (PMID: 18607768, 29565424, 29803406, 23160972) (PP4_Moderate). Of note, in some of these patients, the variant was noted to be in cis with another variant (p.Asp91Asn) which can falsely lower GAA activity in in vitro assays when the substrate is glycogen, but not when the substrate is an artificial substrate, 4-MU. This was taken into account when utilizing GAA activity data. Of the reported patients, at least 11 patients compound heterozygous for the variant, phase unknown, and a known pathogenic variant in GAA including c.-32-13T>G (9 patients, PMID: 16838077, 18285536, 18607768, 21109266, 22676651, 23160972, 24011652, 24158270, 29803406; Pediatr Pol 2021; 96 (3): 220–222; DOI 10.5114/polp.2021.109310), c.525delT (PMID: 14695532) and c.2481+102_c.2646+31del (PMID: 29565424). In addition, one patient is compound heterozygous for the variant and c.1465G>A (p.Asp489Asn) (PMID: 18429042). The allelic data from this patient will be used in the assessment of p.Asp489Asn and is not included here to avoid circular logic. For another patient, the cDNA change for the variants was not provided and therefore the data was not included (PMID: 28196920). The highest population minor allele frequency in gnomAD is 0.00001 (1/126998 alleles) in the European non-Finnish population, which is lower than the ClinGen LSD VCEP threshold (<0.001) for PM2_Supporting, meeting this criterion (PM2_Supporting). When expressed in COS cells, the variant resulted in 1.5% normal activity, and evidence of abnormal GAA processing on Western blot (PMID: 14695532) (PS3_Moderate). The computational predictor REVEL gives a score of 0.985 which is above the threshold of 0.7, evidence that correlates with impact to GAA function (PP3). Two other amino acid substitutions at the same position have been reported in patients with Pompe disease - c.307T>C (p.Cys103Arg) (PMIDs 21984055, 22644586) and c.309C>G (p.Cys103Trp) (PMID 27142047); the classification of p.Cys103Gly will be used to support the classification of these other variants. Therefore, the data is not used here to avoid circular logic. There is a ClinVar entry for this variant (Variation ID: 92483, 2 star review status) with 8 submitters classifying the variant as pathogenic and one as likely pathogenic. In summary, this variant meets the criteria to be classified as pathogenic for Pompe disease. GAA-specific ACMG/AMP criteria applied, as specified by the ClinGen LSD VCEP: PM3_Strong, PS3_Moderate, PP4_Moderate, PP3, PM2_Supporting. (Approved by the ClinGen LSD VCEP on Sept. 21, 2022).

Genomenon, Inc
Classification: Pathogenic for Glycogen storage disease, type II. Last evaluated: 2026-07-01. Review status: criteria provided, single submitter. Criteria: Genomenon Sequence Variant Interpretation Standards - Updated. Collection method: curation. Allele origin: germline. Affected: yes. Not counted in ClinVar's aggregate classification.
Comment: GAA p.Cys103Gly (c.307T>G) is a missense variant that changes the amino acid at codon 103 from Cysteine to Glycine. This variant has been observed in multiple probands with a GAA-related disorder in the compound heterozygous and/or homozygous state (PMID:34852371;34734785;34156025;31899940;29803406;24011652;18285536;24495340;22676651). At least one functional study has demonstrated a substantial alteration in protein function relative to the wild-type (PMID:33560568;14695532;19862843). Splicing studies have been reported (PMID:31301153). It is absent or not present at a significant frequency in gnomAD. In silico models predict that this variant is possibly or probably damaging. In conclusion, we classify GAA p.Cys103Gly (c.307T>G) as a pathogenic variant.

CeGaT Center for Human Genetics Tuebingen
Classification: Pathogenic. Last evaluated: 2026-04-01. Review status: criteria provided, single submitter. Criteria: CeGaT Center For Human Genetics Tuebingen Variant Classification Criteria Version 2. Collection method: clinical testing. Allele origin: germline. Affected: yes. Observed: 2 variant alleles. Not counted in ClinVar's aggregate classification.
Comment: GAA: PM3:Very Strong, PM2, PM5, PP4, PS3:Supporting

Labcorp Genetics (formerly Invitae), Labcorp
Classification: Pathogenic for Glycogen storage disease, type II. Last evaluated: 2025-12-26. Review status: criteria provided, single submitter. Criteria: Invitae Variant Classification Sherloc (09022015). Collection method: clinical testing. Allele origin: germline. Not counted in ClinVar's aggregate classification.
Comment: This sequence change replaces cysteine, which is neutral and slightly polar, with glycine, which is neutral and non-polar, at codon 103 of the GAA protein (p.Cys103Gly). This variant is present in population databases (rs398123174, gnomAD 0.0008%). This missense change has been observed in individual(s) with glycogen storage disease type II (PMID: 14695532, 18429042, 18607768, 21109266, 24158270, 29181627). ClinVar contains an entry for this variant (Variation ID: 92483). Invitae Evidence Modeling of protein sequence and biophysical properties (such as structural, functional, and spatial information, amino acid conservation, physicochemical variation, residue mobility, and thermodynamic stability) indicates that this missense variant is expected to disrupt GAA protein function with a positive predictive value of 95%. Experimental studies have shown that this missense change affects GAA function (PMID: 14695532). For these reasons, this variant has been classified as Pathogenic.

Natera, Inc.
Classification: Pathogenic for Glycogen storage disease type II. Last evaluated: 2025-09-13. Review status: criteria provided, single submitter. Criteria: Natera Variant Classification Schema (03/2026). Collection method: clinical testing. Allele origin: germline. Not counted in ClinVar's aggregate classification.
Comment: The c.307T>G variant in GAA is a missense variant predicted to cause substitution of cysteine to glycine at amino acid 103. This variant is rare in the general population with a frequency below the threshold expected for the associated phenotype(s). This variant has been observed in one or more individuals affected with the associated recessive disease, as either homozygous or compound heterozygous with a second variant (PMID: 22676651, 34072668). Computational prediction algorithms indicate this variant is likely to affect gene or protein function. Given the available evidence, this variant is classified as Pathogenic.

Revvity Omics, Revvity
Classification: Pathogenic. Last evaluated: 2025-03-04. Review status: criteria provided, single submitter. Criteria: ACMG Guidelines, 2015. Collection method: clinical testing. Allele origin: germline. Not counted in ClinVar's aggregate classification.

Laboratory of Genetics, Children's Clinical University Hospital Latvia
Classification: Pathogenic. Last evaluated: 2025-02-16. Review status: criteria provided, single submitter. Criteria: ACMG Guidelines, 2015. Collection method: clinical testing. Allele origin: germline. Affected: yes. Not counted in ClinVar's aggregate classification.

Institute of Medical Genetics and Applied Genomics, University Hospital Tübingen
Classification: Pathogenic for Glycogen storage disease, type II. Last evaluated: 2025-01-24. Review status: criteria provided, single submitter. Criteria: ACMG Guidelines, 2015. Collection method: clinical testing. Allele origin: germline. Inheritance: Autosomal recessive inheritance. Affected: yes. Not counted in ClinVar's aggregate classification.

Blueprint Genetics
Classification: Pathogenic for GAA-related disorders. Last evaluated: 2024-11-27. Review status: criteria provided, single submitter. Criteria: ACMG Guidelines, 2015. Collection method: clinical testing. Allele origin: germline. Affected: yes. Observed: 5 variant alleles. Not counted in ClinVar's aggregate classification.

GeneDx
Classification: Pathogenic. Last evaluated: 2023-04-28. Review status: criteria provided, single submitter. Criteria: GeneDx Variant Classification Process June 2021. Collection method: clinical testing. Allele origin: germline. Affected: yes. Not counted in ClinVar's aggregate classification.
Comment: Not observed at significant frequency in large population cohorts (gnomAD); Published functional studies demonstrate that this variant leads to approximately 98% loss of lysosomal alpha glucosidase activity (Hermans et al., 2004); Located in the Trefoil Type-P Domain (Kroos et al., 2012; Sugawara et al., 2009); In silico analysis supports that this missense variant has a deleterious effect on protein structure/function; This variant is associated with the following publications: (PMID: 24158270, 27189384, 27142047, 31254424, 21109266, 18429042, 29181627, 31301153, 31086307, 30105547, 33560568, 22253258, 19343043, 34852371, 14695532, 18607768)

NM_000152.5(GAA):c.307T>G (p.Cys103Gly)

Genes: CCDC40 (coiled-coil domain 40 molecular ruler complex subunit; plus strand), GAA (alpha glucosidase; plus strand). Cytogenetic location: 17q25.3.
Variant type: single nucleotide variant.
Coding change: c.307T>G on transcript NM_000152.5 (MANE Select); coding-DNA position 307, T replaced by G.
Protein change: p.Cys103Gly; replaces cysteine 103 with glycine.
Molecular consequence: missense variant.
Genome position (GRCh38, 1-based): chr17:80,104,893, T>G. VCF-style: chr17-80104893-T-G. GRCh37 (hg19) VCF-style: chr17-78078692-T-G.
Other names: c.307T>G, p.Cys103Gly (NM_001079803.3, NM_001079804.3, LRG_673t1); c.307T>G (NM_001079803.2); short protein forms C103G.
Identifiers: ClinVar variation 92483 (VCV000092483.56), dbSNP rs398123174, ClinGen allele CA220404.